The following is an entry in ClinVar:

NM_006361.6(HOXB13):c.514T>C (p.Trp172Arg)

Gene: HOXB13 (homeobox B13; minus strand). Cytogenetic location: 17q21.32.
Variant type: single nucleotide variant.
Coding change: c.514T>C on transcript NM_006361.6 (MANE Select); coding-DNA position 514, T replaced by C.
Protein change: p.Trp172Arg; replaces tryptophan 172 with arginine.
Molecular consequence: missense variant.
Genome position (GRCh38, 1-based): chr17:48,728,080, A>G on the plus strand (T>C on the coding strand, the complement: HOXB13 is on the minus strand). VCF-style: chr17-48728080-A-G. GRCh37 (hg19) VCF-style: chr17-46805442-A-G.
Other names: short protein forms W172R.
Identifiers: ClinVar variation 4744791 (VCV004744791.1).

ClinVar aggregate classification (germline): Uncertain significance (1 of 4 stars; one submission).

Submission:

Labcorp Genetics (formerly Invitae), Labcorp
Classification: Uncertain significance. Last evaluated: 2025-05-18. Review status: criteria provided, single submitter. Criteria: Invitae Variant Classification Sherloc (09022015). Collection method: clinical testing. Allele origin: germline.
Comment: This sequence change replaces tryptophan, which is neutral and slightly polar, with arginine, which is basic and polar, at codon 172 of the HOXB13 protein (p.Trp172Arg). This variant is not present in population databases (gnomAD no frequency). This variant has not been reported in the literature in individuals affected with HOXB13-related conditions. Invitae Evidence Modeling of protein sequence and biophysical properties (such as structural, functional, and spatial information, amino acid conservation, physicochemical variation, residue mobility, and thermodynamic stability) has been performed for this missense variant. However, the output from this modeling did not meet the statistical confidence thresholds required to predict the impact of this variant on HOXB13 protein function. In summary, the available evidence is currently insufficient to determine the role of this variant in disease. Therefore, it has been classified as a Variant of Uncertain Significance.